The following is an entry in ClinVar:

ClinVar aggregate classification (germline): Uncertain significance. Review status: criteria provided, multiple submitters, no conflicts (2 of 4 stars). 2 submissions from 2 submitters: Uncertain significance (2). Last evaluated 2025-05-05.

Conditions:
Inborn genetic diseases. Identifiers: MedGen C0950123, MeSH D030342.

gnomAD v4.1: 1 of 1,596,288 alleles (0.000063%); highest among the groups gnomAD compares: Non-Finnish European, 0.000085%; no homozygotes.

Submissions (2):

Labcorp Genetics (formerly Invitae), Labcorp
Classification: Uncertain significance. Last evaluated: 2025-05-05. Review status: criteria provided, single submitter. Criteria: Invitae Variant Classification Sherloc (09022015). Collection method: clinical testing. Allele origin: germline.
Comment: This sequence change replaces glutamic acid, which is acidic and polar, with lysine, which is basic and polar, at codon 104 of the AP3D1 protein (p.Glu104Lys). This variant is not present in population databases (gnomAD no frequency). This variant has not been reported in the literature in individuals affected with AP3D1-related conditions. ClinVar contains an entry for this variant (Variation ID: 2484200). An algorithm developed to predict the effect of missense changes on protein structure and function (PolyPhen-2) suggests that this variant is likely to be disruptive. In summary, the available evidence is currently insufficient to determine the role of this variant in disease. Therefore, it has been classified as a Variant of Uncertain Significance.

Ambry Genetics
Classification: Uncertain significance for Inborn genetic diseases. Last evaluated: 2023-02-15. Review status: criteria provided, single submitter. Criteria: Ambry Variant Classification Scheme 2023. Collection method: clinical testing. Allele origin: germline.

NM_001261826.3(AP3D1):c.310G>A (p.Glu104Lys)

Gene: AP3D1 (adaptor related protein complex 3 subunit delta 1; minus strand). Cytogenetic location: 19p13.3.
Variant type: single nucleotide variant.
Coding change: c.310G>A on transcript NM_001261826.3 (MANE Select); coding-DNA position 310, G replaced by A.
Protein change: p.Glu104Lys; replaces glutamic acid 104 with lysine.
Molecular consequence: missense variant.
Genome position (GRCh38, 1-based): chr19:2,137,055, C>T on the plus strand (G>A on the coding strand, the complement: AP3D1 is on the minus strand). VCF-style: chr19-2137055-C-T. GRCh37 (hg19) VCF-style: chr19-2137054-C-T.
Other names: c.310G>A, p.Glu104Lys (NM_001374799.1, NM_003938.8); short protein forms E104K.
Identifiers: ClinVar variation 2484200 (VCV002484200.5), dbSNP rs866533378, ClinGen allele CA403230688.
Genomic context (GRCh38, chr19:2,137,055, plus strand): 5'-GCCCGGGAACACCCACCTTACGGATCTGATTGGTGGTCAGCATGATGACGTCGGTGCCTT[C>T]GTGAAAGCTCTGGGAAGCAGCGAGGTAGCCAATTCGCTGGGAGAGAACAGATGAGCACAT-3'
Protein context (NP_001248755.1, residues 94-114): GYLAASQSFH[Glu104Lys]GTDVIMLTTN